The following is an entry in ClinVar:

NM_001171.6(ABCC6):c.3506+21G>A

Gene: ABCC6 (ATP binding cassette subfamily C member 6; minus strand). Cytogenetic location: 16p13.11.
Variant type: single nucleotide variant.
Coding change: c.3506+21G>A on transcript NM_001171.6 (MANE Select); 21 bases into the intron after coding-DNA position 3506, G replaced by A.
Molecular consequence: intron variant.
Genome position (GRCh38, 1-based): chr16:16,162,972, C>T on the plus strand (G>A on the coding strand, the complement: ABCC6 is on the minus strand). VCF-style: chr16-16162972-C-T. GRCh37 (hg19) VCF-style: chr16-16256829-C-T.
Other names: c.3164+21G>A (NM_001351800.1).
Identifiers: ClinVar variation 3032288 (VCV003032288.3), dbSNP rs371304221, ClinGen allele CA7925564.

ClinVar aggregate classification (germline): Likely benign. Review status: criteria provided, single submitter (1 of 4 stars). 2 submissions from 2 submitters: Likely benign (1). 1 of the submissions does not count toward it. Last evaluated 2024-11-18.

Conditions:
ABCC6-related disorder. Also called: ABCC6-related condition.

Allele frequency attached by ClinVar (database versions not stated): ESP Exome Variant Server 0.00015; TOPMed 0.00017; gnomAD exomes 0.00042.
gnomAD v4.1: 618 of 1,613,850 alleles (0.038%); highest among the groups gnomAD compares: Admixed American, 0.06%; 1 homozygote.

Submissions (2):

Blueprint Genetics
Classification: Likely benign. Last evaluated: 2024-11-18. Review status: criteria provided, single submitter. Criteria: ACMG Guidelines, 2015. Collection method: clinical testing. Allele origin: germline.

PreventionGenetics, part of Exact Sciences
Classification: Likely benign for ABCC6-related condition. Last evaluated: 2021-03-29. Review status: no assertion criteria provided. Collection method: clinical testing. Allele origin: germline. Not counted in ClinVar's aggregate classification.
Comment: This variant is classified as likely benign based on ACMG/AMP sequence variant interpretation guidelines (Richards et al. 2015 PMID: 25741868, with internal and published modifications).